The following is an entry in ClinVar:

ClinVar aggregate classification (germline): Uncertain significance (1 of 4 stars; one submission).

Submission:

Women's Health and Genetics/Laboratory Corporation of America, LabCorp
Classification: Uncertain significance. Last evaluated: 2024-12-30. Review status: criteria provided, single submitter. Criteria: LabCorp Variant Classification Summary - May 2015. Collection method: clinical testing. Allele origin: germline.
Comment: Variant summary: MYH14 c.35A>G (p.Lys12Arg) results in a conservative amino acid change in the encoded protein sequence. Four of five in-silico tools predict a benign effect of the variant on protein function. The variant was absent in 187364 control chromosomes. The available data on variant occurrences in the general population are insufficient to allow any conclusion about variant significance. To our knowledge, no occurrence of c.35A>G in individuals affected with MYH14-related conditions and no experimental evidence demonstrating its impact on protein function have been reported. No submitters have cited clinical-significance assessments for this variant to ClinVar. Based on the evidence outlined above, the variant was classified as uncertain significance.

NM_001145809.2(MYH14):c.35A>G (p.Lys12Arg)

Gene: MYH14 (myosin heavy chain 14; plus strand). Cytogenetic location: 19q13.33.
Variant type: single nucleotide variant.
Coding change: c.35A>G on transcript NM_001145809.2 (MANE Select); coding-DNA position 35, A replaced by G.
Protein change: p.Lys12Arg; replaces lysine 12 with arginine.
Molecular consequence: missense variant.
Genome position (GRCh38, 1-based): chr19:50,210,400, A>G. VCF-style: chr19-50210400-A-G. GRCh37 (hg19) VCF-style: chr19-50713657-A-G.
Other names: c.35A>G, p.Lys12Arg (NM_001077186.2, NM_024729.4); short protein forms K12R.
Identifiers: ClinVar variation 3768038 (VCV003768038.1).